The following is an entry in ClinVar:

NM_006019.4(TCIRG1):c.976G>A (p.Val326Met)

Gene: TCIRG1 (T cell immune regulator 1, ATPase H+ transporting V0 subunit a3; plus strand). Cytogenetic location: 11q13.2.
Variant type: single nucleotide variant.
Coding change: c.976G>A on transcript NM_006019.4 (MANE Select); coding-DNA position 976, G replaced by A.
Protein change: p.Val326Met; replaces valine 326 with methionine.
Molecular consequence: missense variant.
Genome position (GRCh38, 1-based): chr11:68,044,300, G>A. VCF-style: chr11-68044300-G-A. GRCh37 (hg19) VCF-style: chr11-67811767-G-A.
Other names: c.82G>A, p.Val28Met (NM_001351059.2); c.328G>A, p.Val110Met (NM_006053.4); short protein forms V28M, V110M, V326M.
Identifiers: ClinVar variation 1487948 (VCV001487948.8), dbSNP rs1855352889, ClinGen allele CA381580805.

ClinVar aggregate classification (germline): Uncertain significance (1 of 4 stars; one submission).

Submission:

Labcorp Genetics (formerly Invitae), Labcorp
Classification: Uncertain significance. Last evaluated: 2023-07-10. Review status: criteria provided, single submitter. Criteria: Invitae Variant Classification Sherloc (09022015). Collection method: clinical testing. Allele origin: germline.
Comment: In summary, the available evidence is currently insufficient to determine the role of this variant in disease. Therefore, it has been classified as a Variant of Uncertain Significance. Advanced modeling of protein sequence and biophysical properties (such as structural, functional, and spatial information, amino acid conservation, physicochemical variation, residue mobility, and thermodynamic stability) performed at Invitae indicates that this missense variant is not expected to disrupt TCIRG1 protein function. ClinVar contains an entry for this variant (Variation ID: 1487948). This variant has not been reported in the literature in individuals affected with TCIRG1-related conditions. This variant is not present in population databases (gnomAD no frequency). This sequence change replaces valine, which is neutral and non-polar, with methionine, which is neutral and non-polar, at codon 326 of the TCIRG1 protein (p.Val326Met).